The following is an entry in ClinVar:

NM_001161352.2(KCNMA1):c.1854T>C (p.Val618=)

Gene: KCNMA1 (potassium calcium-activated channel subfamily M alpha 1; minus strand). Cytogenetic location: 10q22.3.
Variant type: single nucleotide variant.
Coding change: c.1854T>C on transcript NM_001161352.2 (MANE Select); coding-DNA position 1854, T replaced by C.
Protein change: p.Val618=; no amino-acid change (valine 618 retained).
Molecular consequence: synonymous variant.
Genome position (GRCh38, 1-based): chr10:77,039,533, A>G on the plus strand (T>C on the coding strand, the complement: KCNMA1 is on the minus strand). VCF-style: chr10-77039533-A-G. GRCh37 (hg19) VCF-style: chr10-78799291-A-G.
Other names: c.1854T>C, p.Val618= (NM_001014797.3, NM_001161353.2, NM_001271519.2 and 9 more transcripts); c.1692T>C, p.Val564= (NM_001271518.2); c.1314T>C, p.Val438= (NM_001322838.2); c.1986T>C, p.Val662= (NM_001437422.1).
Identifiers: ClinVar variation 4718385 (VCV004718385.1).

ClinVar aggregate classification (germline): Uncertain significance (1 of 4 stars; one submission).

Conditions:
Generalized epilepsy-paroxysmal dyskinesia syndrome (PNKD3). Also called: Paroxysmal nonkinesigenic dyskinesia, 3, with or without generalized epilepsy; Generalized epilepsy and paroxysmal dyskinesia. Identifiers: Orphanet 79137, MedGen C5574945, MONDO:0012276, OMIM 609446.

gnomAD v4.1: 1 of 1,585,796 alleles (0.000063%); highest among the groups gnomAD compares: Non-Finnish European, 0.000087%; no homozygotes.

Submission:

Labcorp Genetics (formerly Invitae), Labcorp
Classification: Uncertain significance for Generalized epilepsy-paroxysmal dyskinesia syndrome. Last evaluated: 2025-05-01. Review status: criteria provided, single submitter. Criteria: Invitae Variant Classification Sherloc (09022015). Collection method: clinical testing. Allele origin: germline.
Comment: This sequence change affects codon 618 of the KCNMA1 mRNA. It is a 'silent' change, meaning that it does not change the encoded amino acid sequence of the KCNMA1 protein. This variant is not present in population databases (gnomAD no frequency). This variant has not been reported in the literature in individuals affected with KCNMA1-related conditions. Algorithms developed to predict the effect of sequence changes on RNA splicing suggest that this variant may create or strengthen a splice site. In summary, the available evidence is currently insufficient to determine the role of this variant in disease. Therefore, it has been classified as a Variant of Uncertain Significance.